The following is an entry in ClinVar:

ClinVar aggregate classification (germline): Uncertain significance (1 of 4 stars; one submission).

Conditions:
Hereditary cancer-predisposing syndrome. Also called: Neoplastic Syndromes, Hereditary; Tumor predisposition; Hereditary Cancer Syndrome; Hereditary neoplastic syndrome. Identifiers: Orphanet 140162, MedGen C0027672, MeSH D009386, MONDO:0015356.

Submission:

Ambry Genetics
Classification: Uncertain significance for Hereditary cancer-predisposing syndrome. Last evaluated: 2022-04-21. Review status: criteria provided, single submitter. Criteria: Ambry Variant Classification Scheme 2023. Collection method: clinical testing. Allele origin: germline.
Comment: The p.E14Q variant (also known as c.40G>C), located in coding exon 1 of the BLM gene, results from a G to C substitution at nucleotide position 40. The glutamic acid at codon 14 is replaced by glutamine, an amino acid with highly similar properties. This amino acid position is conserved. In addition, this alteration is predicted to be tolerated by in silico analysis. Since supporting evidence is limited at this time, the clinical significance of this alteration remains unclear.

NM_000057.4(BLM):c.40G>C (p.Glu14Gln)

Gene: BLM (BLM RecQ like helicase; plus strand). Cytogenetic location: 15q26.1.
Variant type: single nucleotide variant.
Coding change: c.40G>C on transcript NM_000057.4 (MANE Select); coding-DNA position 40, G replaced by C.
Protein change: p.Glu14Gln; replaces glutamic acid 14 with glutamine.
Molecular consequence: missense variant. On other transcripts: 5 prime UTR variant (1).
Genome position (GRCh38, 1-based): chr15:90,747,432, G>C. VCF-style: chr15-90747432-G-C. GRCh37 (hg19) VCF-style: chr15-91290662-G-C.
Other names: c.40G>C, p.Glu14Gln (NM_001287246.2, NM_001287247.2); c.-1252G>C (NM_001287248.2); short protein forms E14Q.
Identifiers: ClinVar variation 1737843 (VCV001737843.2), dbSNP rs2505384925, ClinGen allele CA393838868.